The following is an entry in ClinVar:

ClinVar aggregate classification (germline): Pathogenic (1 of 4 stars; one submission).

Conditions:
Familial isolated deficiency of vitamin E (AVED). Also called: ATAXIA, FRIEDREICH-LIKE, WITH SELECTIVE VITAMIN E DEFICIENCY; Ataxia with isolated vitamin E deficiency. Identifiers: Orphanet 96, MedGen C1848533, MONDO:0010188, OMIM 277460.

Submission:

Myriad Genetics, Inc.
Classification: Pathogenic for Familial isolated deficiency of vitamin E. Last evaluated: 2023-09-27. Review status: criteria provided, single submitter. Criteria: Myriad Autosomal Dominant, Autosomal Recessive and X-Linked Classification Criteria (2023). Collection method: clinical testing. Allele origin: unknown.
Comment: NM_000370.3(TTPA):c.162dupG(F55Vfs*21) is expected to be pathogenic in the context of ataxia with vitamin E deficiency. This variant is predicted to lead to an abnormal or absent protein product due to the creation of a premature termination codon in TTPA, a gene where loss-of-function variants are known to be pathogenic. Please note: this variant was assessed in the context of healthy population screening.

NM_000370.3(TTPA):c.162dup (p.Phe55fs)

Gene: TTPA (alpha tocopherol transfer protein; minus strand). Cytogenetic location: 8q12.3.
Variant type: Duplication.
Coding change: c.162dup on transcript NM_000370.3 (MANE Select); coding-DNA position 162, one base duplicated (G; older notation c.162dupG).
Protein change: p.Phe55fs; shifts the reading frame from phenylalanine 55.
Molecular consequence: frameshift variant. On other transcripts: non-coding transcript variant (3).
Genome position (GRCh38, 1-based): chr8:63,085,860, C duplicated on the plus strand (G on the coding strand, the reverse complement: TTPA is on the minus strand); the first of 2 consecutive C bases (chr8:63,085,860-63,085,861); duplicating either gives the same sequence. VCF-style (leftmost placement, unchanged base first): chr8-63085859-A-AC. GRCh37 (hg19) VCF-style: chr8-63998418-A-AC.
Other names: c.162dup, p.Phe55fs (NM_001413414.1, NM_001413415.1, NM_001413416.1 and 2 more transcripts); short protein forms F55fs.
Identifiers: ClinVar variation 5011803 (VCV005011803.1).